The following is an entry in ClinVar:

ClinVar aggregate classification (germline): Uncertain significance (1 of 4 stars; one submission).

Conditions:
Hereditary cancer-predisposing syndrome. Also called: Tumor predisposition; Neoplastic Syndromes, Hereditary; Hereditary Cancer Syndrome; Hereditary neoplastic syndrome. Identifiers: Orphanet 140162, MedGen C0027672, MeSH D009386, MONDO:0015356.

Submission:

Ambry Genetics
Classification: Uncertain significance for Hereditary cancer-predisposing syndrome. Last evaluated: 2018-03-28. Review status: criteria provided, single submitter. Criteria: Ambry Variant Classification Scheme 2023. Collection method: clinical testing. Allele origin: germline.
Comment: The p.E3007D variant (also known as c.9021A>T), located in coding exon 62 of the ATM gene, results from an A to T substitution at nucleotide position 9021. The glutamic acid at codon 3007 is replaced by aspartic acid, an amino acid with highly similar properties. This amino acid position is highly conserved in available vertebrate species. In addition, this alteration is predicted to be tolerated by in silico analysis. Since supporting evidence is limited at this time, the clinical significance of this alteration remains unclear.

NM_000051.4(ATM):c.9021A>T (p.Glu3007Asp)

Genes: ATM (ATM serine/threonine kinase; plus strand), C11orf65 (chromosome 11 open reading frame 65; minus strand). Cytogenetic location: 11q22.3.
Variant type: single nucleotide variant.
Coding change: c.9021A>T on transcript NM_000051.4 (MANE Select); coding-DNA position 9021, A replaced by T.
Protein change: p.Glu3007Asp; replaces glutamic acid 3007 with aspartic acid.
Molecular consequence: missense variant. On other transcripts: intron variant (2).
Genome position (GRCh38, 1-based): chr11:108,365,358, A>T. VCF-style: chr11-108365358-A-T. GRCh37 (hg19) VCF-style: chr11-108236085-A-T.
Other names: c.9021A>T, p.Glu3007Asp (NM_001351834.2); c.640+20562T>A (NM_001330368.2); c.694+20562T>A (NM_001351110.2); short protein forms E3007D.
Identifiers: ClinVar variation 822903 (VCV000822903.6), dbSNP rs1565608897, ClinGen allele CA382531108.